The following is an entry in ClinVar:

NM_019888.3(MC3R):c.671T>C (p.Leu224Pro)

Gene: MC3R (melanocortin 3 receptor; plus strand). Cytogenetic location: 20q13.2.
Variant type: single nucleotide variant.
Coding change: c.671T>C on transcript NM_019888.3 (MANE Select); coding-DNA position 671, T replaced by C.
Protein change: p.Leu224Pro; replaces leucine 224 with proline.
Molecular consequence: missense variant.
Genome position (GRCh38, 1-based): chr20:56,249,514, T>C. VCF-style: chr20-56249514-T-C. GRCh37 (hg19) VCF-style: chr20-54824570-T-C.
Other names: short protein forms L224P.
Identifiers: ClinVar variation 3346284 (VCV003346284.1).

ClinVar aggregate classification (germline): Uncertain significance (0 of 4 stars; one submission).

Conditions:
MC3R-related disorder. Also called: MC3R-related condition.

Submission:

PreventionGenetics, part of Exact Sciences
Classification: Uncertain significance for MC3R-related condition. Last evaluated: 2024-09-01. Review status: no assertion criteria provided. Collection method: clinical testing. Allele origin: germline.
Comment: The MC3R c.671T>C variant is predicted to result in the amino acid substitution p.Leu224Pro. This variant has been reported in an in silico study of MC3R variants thought to be associated with obesity; however, clinical data was not provided in this study (variant referred to as rs370533946 in Singh and Mahalingam. 2017. PubMed ID: 28073065). This variant is reported in 0.0018% of alleles in individuals of European (Non-Finnish) descent in gnomAD. At this time, the clinical significance of this variant is uncertain due to the absence of conclusive functional and genetic evidence.